The following is an entry in ClinVar:

NM_005562.3(LAMC2):c.288T>A (p.Cys96Ter)

Gene: LAMC2 (laminin subunit gamma 2; plus strand). Cytogenetic location: 1q25.3.
Variant type: single nucleotide variant.
Coding change: c.288T>A on transcript NM_005562.3 (MANE Select); coding-DNA position 288, T replaced by A.
Protein change: p.Cys96Ter; replaces cysteine 96 with a stop codon.
Molecular consequence: nonsense.
Genome position (GRCh38, 1-based): chr1:183,215,472, T>A. VCF-style: chr1-183215472-T-A. GRCh37 (hg19) VCF-style: chr1-183184607-T-A.
Other names: c.288T>A, p.Cys96Ter (NM_018891.3); short protein forms C96*.
Identifiers: ClinVar variation 984225 (VCV000984225.3), dbSNP rs1659222371, ClinGen allele CA343673109.

ClinVar aggregate classification (germline): Likely pathogenic (1 of 4 stars; one submission).

Conditions:
Junctional epidermolysis bullosa gravis of Herlitz. Also called: Herlitz-type junctional epidermolysis bullosa; Epidermolysis Bullosa Letalis; EPIDERMOLYSIS BULLOSA, JUNCTIONAL 1B, SEVERE; EPIDERMOLYSIS BULLOSA JUNCTIONALIS, HERLITZ TYPE; EPIDERMOLYSIS BULLOSA, JUNCTIONAL, HERLITZ-PEARSON TYPE; JEB-HERLITZ TYPE. Identifiers: Orphanet 79404, MedGen C0079683, MONDO:0009182, OMIM 226700.

Submission:

Myriad Genetics, Inc.
Classification: Likely pathogenic for Junctional epidermolysis bullosa gravis of Herlitz. Last evaluated: 2019-09-27. Review status: criteria provided, single submitter. Criteria: Myriad Women's Health Autosomal Recessive and X-Linked Classification Criteria (2019). Collection method: clinical testing. Allele origin: unknown.
Comment: NM_005562.2(LAMC2):c.288T>A(C96*) is expected to be pathogenic in the context of junctional epidermolysis bullosa, LAMC2-related. This variant is predicted to lead to an abnormal or absent protein product due to the creation of a premature termination codon in LAMC2, a gene where loss-of-function variants are known to be pathogenic. Please note: this variant was assessed in the context of healthy population screening.